The following is an entry in ClinVar:

ClinVar aggregate classification (germline): Uncertain significance. Review status: criteria provided, multiple submitters, no conflicts (2 of 4 stars). 8 submissions from 8 submitters: Uncertain significance (8). Last evaluated 2026-09-21.

Conditions:
Dilated cardiomyopathy 1S (CMD1S). Identifiers: Orphanet 154, Orphanet 54260, MedGen C1834481, MONDO:0013262, OMIM 613426.
Cardiovascular phenotype. Identifiers: MedGen CN230736.
Cardiomyopathy (CMYO). Also called: Cardiomyopathies. Identifiers: Orphanet 167848, MedGen C0878544, MONDO:0004994, HP:0001638. Inheritance: Various modes of inheritance.
Hypertrophic cardiomyopathy. Also called: HYPERTROPHIC MYOCARDIOPATHY. Identifiers: Orphanet 217569, MedGen C0007194, MeSH D002312, MONDO:0005045, HP:0001639.

Allele frequency attached by ClinVar (database versions not stated): TOPMed 0.00002; ExAC 0.00002; gnomAD 0.00002.
gnomAD v4.1: 16 of 1,614,090 alleles (0.00099%); highest among the groups gnomAD compares: African/African-American, 0.0027%; no homozygotes.

Submissions (8):

Molecular Diagnostic Laboratory for Inherited Cardiovascular Disease, Montreal Heart Institute
Classification: Uncertain significance for Cardiovascular phenotype. Last evaluated: 2026-09-21. Review status: criteria provided, single submitter. Criteria: ACMG Guidelines, 2015. Collection method: clinical testing. Allele origin: germline. Affected: yes.
Comment: PS4_supp, PM2

Labcorp Genetics (formerly Invitae), Labcorp
Classification: Uncertain significance for Hypertrophic cardiomyopathy. Last evaluated: 2024-12-12. Review status: criteria provided, single submitter. Criteria: Invitae Variant Classification Sherloc (09022015). Collection method: clinical testing. Allele origin: germline.
Comment: This sequence change replaces valine, which is neutral and non-polar, with methionine, which is neutral and non-polar, at codon 1674 of the MYH7 protein (p.Val1674Met). This variant is present in population databases (rs397516235, gnomAD 0.006%). This missense change has been observed in individual(s) with hypertrophic cardiomyopathy (PMID: 25611685, 27532257, 37652022). ClinVar contains an entry for this variant (Variation ID: 43052). Invitae Evidence Modeling of protein sequence and biophysical properties (such as structural, functional, and spatial information, amino acid conservation, physicochemical variation, residue mobility, and thermodynamic stability) indicates that this missense variant is expected to disrupt MYH7 protein function with a positive predictive value of 95%. In summary, the available evidence is currently insufficient to determine the role of this variant in disease. Therefore, it has been classified as a Variant of Uncertain Significance.

Victorian Clinical Genetics Services, Murdoch Childrens Research Institute
Classification: Uncertain significance for Dilated cardiomyopathy 1S. Last evaluated: 2024-10-09. Review status: criteria provided, single submitter. Criteria: ACMG Guidelines, 2015. Collection method: clinical testing. Allele origin: germline. Inheritance: Autosomal dominant inheritance. Affected: yes.
Comment: Based on the classification scheme VCGS_Germline_v1.3.4, this variant is classified as VUS-3B. Following criteria are met: 0105 - The mechanism of disease for this gene is not clearly established; however, missense variants have been proposed to act in a dominant negative manner (PMID: 24714796). (I) 0108 - This gene is associated with both recessive and dominant disease. Disease associated with this gene usually has autosomal dominant inheritance; however, a recessive inheritance pattern has been observed in severe cases (OMIM). (I) 0112 - The condition associated with this gene has incomplete penetrance (PMID: 29300372). (I) 0200 - Variant is predicted to result in a missense amino acid change from valine to methionine. (I) 0251 - This variant is heterozygous. (I) 0304 - Variant is present in gnomAD <0.01 (v2+v3: 6 heterozygotes, 0 homozygotes). (SP) 0309 - An alternative amino acid change at the same position has been observed in gnomAD (v2) (1 heterozygote, 0 homozygotes). (I) 0502 - Missense variant with conflicting in silico predictions and uninformative conservation. (I) 0600 - Variant is located in the annotated myosin tail domain (DECIPHER). (I) 0710 - Another variant comparable to the one identified in this case has inconclusive previous evidence for pathogenicity. p.(Val1674Leu) is reported in ClinVar four times as a variant of unknown significance (VUS). It has also been identified in an individual with dilated cardiomyopathy and classified in this instance as a VUS (PMID: 27532257). (I) 0809 - Previous evidence of pathogenicity for this variant is inconclusive. This variant has been reported three times in ClinVar as a VUS and in two individuals with hypertrophic cardiomyopathy; however, it was classified as a VUS (PMID: 27532257, ClinVar). (I) 0905 - No published segregation evidence has been identified for this variant. (I) 1007 - No published functional evidence has been identified for this variant. (I) 1208 - Inheritance information for this variant is not currently available in this individual. (I) Legend: (SP) - Supporting pathogenic, (I) - Information, (SB) - Supporting benign

Molecular Genetics, Royal Melbourne Hospital
Classification: Uncertain significance for Hypertrophic cardiomyopathy. Last evaluated: 2024-01-05. Review status: criteria provided, single submitter. Criteria: ACMG Guidelines, 2015. Collection method: clinical testing. Allele origin: germline. Inheritance: Autosomal dominant inheritance. Affected: yes.
Comment: This sequence change in MYH7 is predicted to replace valine with methionine at codon 1674, p.(Val1674Met). The valine residue is highly conserved (100 vertebrates, Multiz Alignments), and is located in the myosin tail domain. There is a small physicochemical difference between valine and methionine. The highest population minor allele frequency in the population database gnomAD v4.0 is 0.002% (2/91,086 alleles) in the South Asian population, which is consistent with hypertrophic cardiomyopathy. This variant has been reported in at least one individual with hypertrophic cardiomyopathy (PMID: 27532257). This variant has been observed in an individual with a pathogenic variant in MYBPC3 (Royal Melbourne Hospital). Computational evidence is uninformative for the missense substitution (REVEL = 0.498). Based on the classification scheme RMH Modified ACMG/AMP Guidelines v1.6.1, this variant is classified as a VARIANT OF UNCERTAIN SIGNIFICANCE. Following criteria are met: PM2_Supporting.

All of Us Research Program, National Institutes of Health
Classification: Uncertain significance for Cardiomyopathy. Last evaluated: 2023-10-06. Review status: criteria provided, single submitter. Criteria: ACMG Guidelines, 2015. Collection method: clinical testing. Allele origin: germline. Inheritance: Autosomal dominant inheritance. Observed: 1 variant allele, 1 heterozygote.
Comment: This missense variant replaces valine with methionine at codon 1674 of the MYH7 protein. Computational prediction suggests that this variant may not impact protein structure and function (internally defined REVEL score threshold <= 0.5, PMID: 27666373). Splice site prediction tools suggest that this variant may not impact RNA splicing. To our knowledge, functional studies have not been performed for this variant. This variant has been reported in an individual affected with hypertrophic cardiomyopathy (PMID: 27532257, 25611685). This variant has been identified in 3/251412 chromosomes in the general population by the Genome Aggregation Database (gnomAD). The available evidence is insufficient to determine the role of this variant in disease conclusively. Therefore, this variant is classified as a Variant of Uncertain Significance.

This study involves interpretation of variants in research participants for the purpose of population health screening. Participant phenotype was not available at the time of variant classification. Additional details can be found in publication PMID: 35346344, PMCID: PMC8962531

Color Diagnostics, LLC DBA Color Health
Classification: Uncertain significance for Cardiomyopathy. Last evaluated: 2023-09-29. Review status: criteria provided, single submitter. Criteria: ACMG Guidelines, 2015. Collection method: clinical testing. Allele origin: germline.
Comment: This missense variant replaces valine with methionine at codon 1674 of the MYH7 protein. Computational prediction suggests that this variant may not impact protein structure and function (internally defined REVEL score threshold <= 0.5, PMID: 27666373). Splice site prediction tools suggest that this variant may not impact RNA splicing. To our knowledge, functional studies have not been performed for this variant. This variant has been reported in an individual affected with hypertrophic cardiomyopathy (PMID: 27532257, 25611685). This variant has been identified in 3/251412 chromosomes in the general population by the Genome Aggregation Database (gnomAD). The available evidence is insufficient to determine the role of this variant in disease conclusively. Therefore, this variant is classified as a Variant of Uncertain Significance.

Blueprint Genetics
Classification: Uncertain significance. Last evaluated: 2019-08-30. Review status: criteria provided, single submitter. Criteria: ACMG Guidelines, 2015. Collection method: clinical testing. Allele origin: germline.

Laboratory for Molecular Medicine, Mass General Brigham Personalized Medicine
Classification: Uncertain significance. Last evaluated: 2012-06-14. Review status: criteria provided, single submitter. Criteria: LMM Criteria. Collection method: clinical testing. Allele origin: germline. Observed: 1 variant allele.
Comment: In addition, this variant has not b een identified in large and broad populations (European and African American) se quenced by the NHLBI Exome Sequencing Project . While this low frequency supports a pathogenic role, the ethnicity of this ind ividual was not specified and it remains possible that this variant is common in other populations. Valine (Val) at position 1674 is highly conserved in mammal and across evolutionarily distant species, though the change to methionine (Met) was predicted to be benign using a computational tool, which was validated by o ur laboratory using a set of cardiomyopathy variants with well-established clini cal significance (benign predictions are estimated to be correct 89% of the time , Jordan 2011). Additional studies are needed to fully assess the clinical signi ficance of this variant.

Literature cited by the submitters: PubMed 25611685 (cited by 3 submitters); PubMed 27532257 (cited by 5 submitters); PubMed 37652022 (cited by Labcorp Genetics (formerly Invitae), Labcorp); PubMed 24714796 (cited by Victorian Clinical Genetics Services, Murdoch Childrens Research Institute); PubMed 29300372 (cited by Victorian Clinical Genetics Services, Murdoch Childrens Research Institute).

NM_000257.4(MYH7):c.5020G>A (p.Val1674Met)

Genes: MHRT (myosin heavy chain associated RNA transcript; plus strand), MYH7 (myosin heavy chain 7; minus strand), LOC126861897 (BRD4-independent group 4 enhancer GRCh37_chr14:23884455-23885654; plus strand). Cytogenetic location: 14q11.2.
Variant type: single nucleotide variant.
Coding change: c.5020G>A on transcript NM_000257.4 (MANE Select); coding-DNA position 5020, G replaced by A.
Protein change: p.Val1674Met; replaces valine 1674 with methionine.
Molecular consequence: missense variant. On other transcripts: non-coding transcript variant (1).
Genome position (GRCh38, 1-based): chr14:23,415,766, C>T on the plus strand (G>A on the coding strand, the complement: MYH7 is on the minus strand). VCF-style: chr14-23415766-C-T. GRCh37 (hg19) VCF-style: chr14-23884975-C-T.
Other names: short protein forms V1674M.
Identifiers: ClinVar variation 43052 (VCV000043052.20), dbSNP rs397516235, ClinGen allele CA015575.
Genomic context (GRCh38, chr14:23,415,766, plus strand): 5'-GCTCCACCACGGCACGCAACTCCTCCAGCTCAGCCTGCAGCAGGTTGTTGCGCCGCTCCA[C>T]GATGGCGATGTTCTCCTTCAGGTCGTCGTTGGCACGGACTGCATCGTCCAGCTGAATCTG-3'
Protein context (NP_000248.2, residues 1664-1684): NDDLKENIAI[Val1674Met]ERRNNLLQAE